The following is an entry in ClinVar:

ClinVar aggregate classification (germline): Pathogenic. Review status: criteria provided, single submitter (1 of 4 stars). 2 submissions from 2 submitters: Pathogenic (1). 1 of the submissions does not count toward it. Last evaluated 2019-06-09.

Conditions:
Van der Woude syndrome. Identifiers: Orphanet 888, MedGen C0175697, MONDO:0019508.
Orofacial cleft 6, susceptibility to (OFC6). Also called: CLEFT LIP WITH OR WITHOUT CLEFT PALATE, NONSYNDROMIC, 6. Identifiers: MedGen C1837213, MONDO:0012141, OMIM 608864.
Popliteal pterygium syndrome (PPS). Identifiers: Orphanet 294963, MedGen C0265259, MONDO:0017435.

Submissions (2):

Labcorp Genetics (formerly Invitae), Labcorp
Classification: Pathogenic for Orofacial cleft 6, susceptibility to; Van der Woude syndrome; Popliteal pterygium syndrome. Last evaluated: 2019-06-09. Review status: criteria provided, single submitter. Criteria: Invitae Variant Classification Sherloc (09022015). Collection method: clinical testing. Allele origin: germline.
Comment: This sequence change creates a premature translational stop signal (p.Gln208*) in the IRF6 gene. It is expected to result in an absent or disrupted protein product. This variant is not present in population databases (ExAC no frequency). This variant has been observed in an individual affected with van der Woude syndrome (PMID: 21468557). Loss-of-function variants in IRF6 are known to be pathogenic (PMID: 19282774, 23949966). For these reasons, this variant has been classified as Pathogenic.

Faculty of Pharmacy, University of Ljubljana
Classification: Pathogenic for Van der Woude syndrome. Review status: no assertion criteria provided. Collection method: research. Allele origin: germline. Inheritance: Autosomal dominant inheritance. Affected: yes. Observed: 2 variant alleles, 2 heterozygotes. Clinical features observed: bilateral cleft lip and palate, lip pits, hypodontia. Not counted in ClinVar's aggregate classification.

Literature cited by the submitters: PubMed 21468557 (cited by Labcorp Genetics (formerly Invitae), Labcorp); PubMed 19282774 (cited by Labcorp Genetics (formerly Invitae), Labcorp); PubMed 23949966 (cited by Labcorp Genetics (formerly Invitae), Labcorp); PubMed 36901693 (cited by Faculty of Pharmacy, University of Ljubljana).

NM_006147.4(IRF6):c.622C>T (p.Gln208Ter)

Gene: IRF6 (interferon regulatory factor 6; minus strand). Cytogenetic location: 1q32.2.
Variant type: single nucleotide variant.
Coding change: c.622C>T on transcript NM_006147.4 (MANE Select); coding-DNA position 622, C replaced by T.
Protein change: p.Gln208Ter; replaces glutamine 208 with a stop codon.
Molecular consequence: nonsense.
Genome position (GRCh38, 1-based): chr1:209,792,314, G>A on the plus strand (C>T on the coding strand, the complement: IRF6 is on the minus strand). VCF-style: chr1-209792314-G-A. GRCh37 (hg19) VCF-style: chr1-209965659-G-A.
Other names: c.337C>T, p.Gln113Ter (NM_001206696.2); short protein forms Q113*, Q208*.
Identifiers: ClinVar variation 938570 (VCV000938570.11), dbSNP rs2077873846, ClinGen allele CA344579052.